The following is an entry in ClinVar:

NM_004795.4(KL):c.1706A>T (p.Lys569Ile)

Gene: KL (klotho; plus strand). Cytogenetic location: 13q13.1.
Variant type: single nucleotide variant.
Coding change: c.1706A>T on transcript NM_004795.4 (MANE Select); coding-DNA position 1706, A replaced by T.
Protein change: p.Lys569Ile; replaces lysine 569 with isoleucine.
Molecular consequence: missense variant.
Genome position (GRCh38, 1-based): chr13:33,060,785, A>T. VCF-style: chr13-33060785-A-T. GRCh37 (hg19) VCF-style: chr13-33634922-A-T.
Other names: short protein forms K569I.
Identifiers: ClinVar variation 2036279 (VCV002036279.4), dbSNP rs2501788951, ClinGen allele CA387794435.

ClinVar aggregate classification (germline): Uncertain significance (1 of 4 stars; one submission).

Submission:

Labcorp Genetics (formerly Invitae), Labcorp
Classification: Uncertain significance. Last evaluated: 2021-12-07. Review status: criteria provided, single submitter. Criteria: Invitae Variant Classification Sherloc (09022015). Collection method: clinical testing. Allele origin: germline.
Comment: This sequence change replaces lysine, which is basic and polar, with isoleucine, which is neutral and non-polar, at codon 569 of the KL protein (p.Lys569Ile). This variant is not present in population databases (gnomAD no frequency). This variant has not been reported in the literature in individuals affected with KL-related conditions. Algorithms developed to predict the effect of missense changes on protein structure and function are either unavailable or do not agree on the potential impact of this missense change (SIFT: "Deleterious"; PolyPhen-2: "Benign"; Align-GVGD: "Class C0"). In summary, the available evidence is currently insufficient to determine the role of this variant in disease. Therefore, it has been classified as a Variant of Uncertain Significance.